The following is an entry in ClinVar:

ClinVar aggregate classification (germline): Conflicting classifications of pathogenicity. Review status: criteria provided, conflicting classifications (1 of 4 stars). 2 submissions from 2 submitters: Uncertain significance (1); Likely benign (1). Last evaluated 2026-08-01.

Conditions:
Inborn genetic diseases. Identifiers: MedGen C0950123, MeSH D030342.

Allele frequency attached by ClinVar (database versions not stated): gnomAD 0.00008 and 0.00009; TOPMed 0.00010; gnomAD exomes 0.00003; ExAC 0.00005; 1000 Genomes Project 30x 0.00016; 1000 Genomes Project 0.00020.
gnomAD v4.1: 53 of 1,551,578 alleles (0.0034%); highest among the groups gnomAD compares: African/African-American, 0.026%; no homozygotes.

Submissions (2):

CeGaT Center for Human Genetics Tuebingen
Classification: Likely benign. Last evaluated: 2026-08-01. Review status: criteria provided, single submitter. Criteria: CeGaT Center For Human Genetics Tuebingen Variant Classification Criteria Version 2. Collection method: clinical testing. Allele origin: germline. Affected: yes. Observed: 3 variant alleles.
Comment: SETD1B: PP2, BP4, BS2

Ambry Genetics
Classification: Uncertain significance for Inborn genetic diseases. Last evaluated: 2025-02-12. Review status: criteria provided, single submitter. Criteria: Ambry Variant Classification Scheme 2023. Collection method: clinical testing. Allele origin: germline.

NM_001353345.2(SETD1B):c.3835G>A (p.Ala1279Thr)

Gene: SETD1B (SET domain containing 1B, histone lysine methyltransferase; plus strand). Cytogenetic location: 12q24.31.
Variant type: single nucleotide variant.
Coding change: c.3835G>A on transcript NM_001353345.2 (MANE Select); coding-DNA position 3835, G replaced by A.
Protein change: p.Ala1279Thr; replaces alanine 1279 with threonine.
Molecular consequence: missense variant.
Genome position (GRCh38, 1-based): chr12:121,819,820, G>A. VCF-style: chr12-121819820-G-A. GRCh37 (hg19) VCF-style: chr12-122257726-G-A.
Other names: NM_015048.1:c.3706G>A; short protein forms A1279T.
Identifiers: ClinVar variation 1694684 (VCV001694684.32), dbSNP rs143926204, ClinGen allele CA6839112.